The following is an entry in ClinVar:

NM_002734.5(PRKAR1A):c.483_490dup (p.Val164fs)

Gene: PRKAR1A (protein kinase cAMP-dependent type I regulatory subunit alpha; plus strand). Cytogenetic location: 17q24.2.
Variant type: Duplication.
Coding change: c.483_490dup on transcript NM_002734.5 (MANE Select); coding-DNA positions 483 to 490, 8 bases duplicated (AGAGACTG; older notation c.483_490dupAGAGACTG).
Protein change: p.Val164fs; shifts the reading frame from valine 164.
Molecular consequence: frameshift variant.
Genome position (GRCh38, 1-based): chr17:68,524,058-68,524,065, AGAGACTG duplicated; duplicating any 8 consecutive bases within chr17:68,524,057-68,524,065 gives the same sequence; the c. name uses the placement nearest the transcript's 3' end. VCF-style (leftmost placement, unchanged base first): chr17-68524056-G-GGAGAGACT. GRCh37 (hg19) VCF-style: chr17-66520197-G-GGAGAGACT.
Other names: c.483_490dup, p.Val164fs (NM_001276289.2, NM_001276290.1, NM_001278433.2 and 4 more transcripts); short protein forms V164fs.
Identifiers: ClinVar variation 5027346 (VCV005027346.1).

ClinVar aggregate classification (germline): Pathogenic (1 of 4 stars; one submission).

Conditions:
Hereditary cancer-predisposing syndrome. Also called: Neoplastic Syndromes, Hereditary; Tumor predisposition; Hereditary neoplastic syndrome; Hereditary Cancer Syndrome. Identifiers: Orphanet 140162, MedGen C0027672, MeSH D009386, MONDO:0015356.

Submission:

Ambry Genetics
Classification: Pathogenic for Hereditary cancer-predisposing syndrome. Last evaluated: 2026-07-30. Review status: criteria provided, single submitter. Criteria: Ambry Variant Classification Scheme 2023. Collection method: clinical testing. Allele origin: germline.
Comment: The c.483_490dupAGAGACTG pathogenic mutation, located in coding exon 4 of the PRKAR1A gene, results from a duplication of AGAGACTG at nucleotide position 483, causing a translational frameshift with a predicted alternate stop codon (p.V164Efs*4). This variant was reported in individual(s) with features consistent with PRKAR1A-related Carney complex (Ambry internal data). This variant is considered to be rare based on population cohorts in the Genome Aggregation Database (gnomAD). This alteration is expected to result in loss of function by premature protein truncation or nonsense-mediated mRNA decay. Loss-of-function variants subject to nonsense mediated decay (NMD) in PRKAR1A are known to cause Carney complex; however, such associations with acrodysostosis have not been reported (Michot. et al. Eur J Hum Genet 26, 1611&ndash;1622 (2018); Bertherat J et al. J Clin Endocrinol Metab. 2009 Jun;94(6):2085-91; Jafari N et al. Proc Natl Acad Sci U S A. 2021 May 25;118(21):e2024716118). Based on the supporting evidence, this variant is pathogenic for Carney complex; however, the association of this variant with acrodysostosis is unlikely.